The following is an entry in ClinVar:

ClinVar aggregate classification (germline): Pathogenic (1 of 4 stars; one submission).

Conditions:
Neonatal-onset encephalopathy with rigidity and seizures. Also called: Lethal neonatal spasticity-epileptic encephalopathy syndrome. Identifiers: Orphanet 435845, MedGen C3281029, MONDO:0013784, OMIM 614498.

Allele frequency attached by ClinVar (database versions not stated): gnomAD exomes below 0.00001.
gnomAD v4.1: 3 of 1,520,780 alleles (0.0002%); highest among the groups gnomAD compares: Non-Finnish European, 0.00018%; no homozygotes.

Submission:

Labcorp Genetics (formerly Invitae), Labcorp
Classification: Pathogenic for Neonatal-onset encephalopathy with rigidity and seizures. Last evaluated: 2023-10-05. Review status: criteria provided, single submitter. Criteria: Invitae Variant Classification Sherloc (09022015). Collection method: clinical testing. Allele origin: germline.
Comment: This sequence change creates a premature translational stop signal (p.Glu105*) in the BRAT1 gene. It is expected to result in an absent or disrupted protein product. Loss-of-function variants in BRAT1 are known to be pathogenic (PMID: 22279524, 25500575). This variant is not present in population databases (gnomAD no frequency). This variant has not been reported in the literature in individuals affected with BRAT1-related conditions. For these reasons, this variant has been classified as Pathogenic.

Literature cited by the submitters: PubMed 22279524; PubMed 25500575.

NM_152743.4(BRAT1):c.313G>T (p.Glu105Ter)

Gene: BRAT1 (BRCA1 associated ATM activator 1; minus strand). Cytogenetic location: 7p22.3.
Variant type: single nucleotide variant.
Coding change: c.313G>T on transcript NM_152743.4 (MANE Select); coding-DNA position 313, G replaced by T.
Protein change: p.Glu105Ter; replaces glutamic acid 105 with a stop codon.
Molecular consequence: nonsense. On other transcripts: non-coding transcript variant (1), intron variant (1).
Genome position (GRCh38, 1-based): chr7:2,545,026, C>A on the plus strand (G>T on the coding strand, the complement: BRAT1 is on the minus strand). VCF-style: chr7-2545026-C-A. GRCh37 (hg19) VCF-style: chr7-2584660-C-A.
Other names: c.313G>T, p.Glu105Ter (NM_001350626.2); c.-95-1064G>T (NM_001350627.2); short protein forms E105*.
Identifiers: ClinVar variation 2789053 (VCV002789053.3), dbSNP rs2534414706, ClinGen allele CA366632984.
Genomic context (GRCh38, chr7:2,545,026, plus strand): 5'-GGATCCAGCCGCTGCGCACGGTGGGGACGGCCCAGGTTGCTCGGCCGAGGGGTCCTGGCT[C>A]CCCAAAGAGCCCTGGTAGTAACTCCCCCTGCTGGGAAGCAAAAAAAGAAGTGAGGGTGGC-3'